The following is an entry in ClinVar:

NM_020822.3(KCNT1):c.2485A>G (p.Lys829Glu)

Gene: KCNT1 (potassium sodium-activated channel subfamily T member 1; plus strand). Cytogenetic location: 9q34.3.
Variant type: single nucleotide variant.
Coding change: c.2485A>G on transcript NM_020822.3 (MANE Select); coding-DNA position 2485, A replaced by G.
Protein change: p.Lys829Glu; replaces lysine 829 with glutamic acid.
Molecular consequence: missense variant.
Genome position (GRCh38, 1-based): chr9:135,777,473, A>G. VCF-style: chr9-135777473-A-G. GRCh37 (hg19) VCF-style: chr9-138669319-A-G.
Other names: c.2350A>G, p.Lys784Glu (NM_001272003.2); short protein forms K784E, K829E.
Identifiers: ClinVar variation 1313828 (VCV001313828.2), dbSNP rs2131543999, ClinGen allele CA375513629.

ClinVar aggregate classification (germline): Uncertain significance (1 of 4 stars; one submission).

Submission:

GeneDx
Classification: Uncertain significance. Last evaluated: 2020-01-28. Review status: criteria provided, single submitter. Criteria: GeneDx Variant Classification Process June 2021. Collection method: clinical testing. Allele origin: germline. Affected: yes.
Comment: Not observed in large population cohorts (Lek et al., 2016); In silico analysis, which includes protein predictors and evolutionary conservation, supports that this variant does not alter protein structure/function; Has not been previously published as pathogenic or benign to our knowledge